The following is an entry in ClinVar:

ClinVar aggregate classification (germline): Uncertain significance. Review status: criteria provided, multiple submitters, no conflicts (2 of 4 stars). 2 submissions from 2 submitters: Uncertain significance (2). Last evaluated 2025-07-15.

Conditions:
PHIP-related disorder. Also called: PHIP-related disorders; PHIP-related condition.

Allele frequency attached by ClinVar (database versions not stated): gnomAD exomes below 0.00001; ExAC 0.00001; gnomAD 0.00001; TOPMed 0.00003; ESP Exome Variant Server 0.00008.
gnomAD v4.1: 3 of 1,608,668 alleles (0.00019%); highest among the groups gnomAD compares: African/African-American, 0.004%; no homozygotes.

Submissions (2):

PreventionGenetics, part of Exact Sciences
Classification: Uncertain significance for PHIP-related condition. Last evaluated: 2025-07-15. Review status: criteria provided, single submitter. Criteria: ACMG Guidelines, 2015. Collection method: clinical testing. Allele origin: germline.
Comment: The PHIP c.2419A>G variant is predicted to result in the amino acid substitution p.Arg807Gly. To our knowledge, this variant has not been reported in the literature. This variant is reported in 0.0080% of alleles in individuals of African descent in gnomAD. At this time, the clinical significance of this variant is uncertain due to the absence of conclusive functional and genetic evidence.

Labcorp Genetics (formerly Invitae), Labcorp
Classification: Uncertain significance. Last evaluated: 2023-11-04. Review status: criteria provided, single submitter. Criteria: Invitae Variant Classification Sherloc (09022015). Collection method: clinical testing. Allele origin: germline.
Comment: This sequence change replaces arginine, which is basic and polar, with glycine, which is neutral and non-polar, at codon 807 of the PHIP protein (p.Arg807Gly). The frequency data for this variant in the population databases is considered unreliable, as metrics indicate poor data quality at this position in the gnomAD database. This variant has not been reported in the literature in individuals affected with PHIP-related conditions. Advanced modeling of protein sequence and biophysical properties (such as structural, functional, and spatial information, amino acid conservation, physicochemical variation, residue mobility, and thermodynamic stability) performed at Invitae indicates that this missense variant is not expected to disrupt PHIP protein function with a negative predictive value of 80%. In summary, the available evidence is currently insufficient to determine the role of this variant in disease. Therefore, it has been classified as a Variant of Uncertain Significance.

NM_017934.7(PHIP):c.2419A>G (p.Arg807Gly)

Gene: PHIP (PHIP subunit of CUL4-Ring ligase complex; minus strand). Cytogenetic location: 6q14.1.
Variant type: single nucleotide variant.
Coding change: c.2419A>G on transcript NM_017934.7 (MANE Select); coding-DNA position 2419, A replaced by G.
Protein change: p.Arg807Gly; replaces arginine 807 with glycine.
Molecular consequence: missense variant.
Genome position (GRCh38, 1-based): chr6:78,988,250, T>C on the plus strand (A>G on the coding strand, the complement: PHIP is on the minus strand). VCF-style: chr6-78988250-T-C. GRCh37 (hg19) VCF-style: chr6-79697967-T-C.
Other names: c.2419A>G (NM_017934.6); short protein forms R807G.
Identifiers: ClinVar variation 2742769 (VCV002742769.4), dbSNP rs376154621, ClinGen allele CA3899964.